The following is an entry in ClinVar:

NM_000030.3(AGXT):c.737G>A (p.Trp246Ter)

Gene: AGXT (alanine--glyoxylate aminotransferase; plus strand). Cytogenetic location: 2q37.3.
Variant type: single nucleotide variant.
Coding change: c.737G>A on transcript NM_000030.3 (MANE Select); coding-DNA position 737, G replaced by A.
Protein change: p.Trp246Ter; replaces tryptophan 246 with a stop codon.
Molecular consequence: nonsense.
Genome position (GRCh38, 1-based): chr2:240,875,165, G>A. VCF-style: chr2-240875165-G-A. GRCh37 (hg19) VCF-style: chr2-241814582-G-A.
Other names: short protein forms W246*.
Identifiers: ClinVar variation 189035 (VCV000189035.9), dbSNP rs180177259, ClinGen allele CA274296.

ClinVar aggregate classification (germline): Pathogenic/Likely pathogenic. Review status: criteria provided, multiple submitters, no conflicts (2 of 4 stars). 5 submissions from 5 submitters: Pathogenic (2); Likely pathogenic (1). 2 of the submissions do not count toward it. Last evaluated 2024-03-12.

Conditions:
Primary hyperoxaluria, type I (HP1). Also called: GLYCOLIC ACIDURIA; HEPATIC AGT DEFICIENCY; OXALOSIS I; Primary hyperoxaluria type 1. Identifiers: Orphanet 416, Orphanet 93598, MedGen C0268164, MONDO:0009823, OMIM 259900. Disease mechanism: loss of function.

Submissions (5):

Labcorp Genetics (formerly Invitae), Labcorp
Classification: Pathogenic. Last evaluated: 2024-03-12. Review status: criteria provided, single submitter. Criteria: Invitae Variant Classification Sherloc (09022015). Collection method: clinical testing. Allele origin: germline.
Comment: This sequence change creates a premature translational stop signal (p.Trp246*) in the AGXT gene. It is expected to result in an absent or disrupted protein product. Loss-of-function variants in AGXT are known to be pathogenic (PMID: 19479957). This variant is not present in population databases (gnomAD no frequency). This premature translational stop signal has been observed in individual(s) with primary hyperoxaluria (PMID: 17495019). ClinVar contains an entry for this variant (Variation ID: 189035). For these reasons, this variant has been classified as Pathogenic.

Fulgent Genetics
Classification: Likely pathogenic for Primary hyperoxaluria, type I. Last evaluated: 2024-01-22. Review status: criteria provided, single submitter. Criteria: ACMG Guidelines, 2015. Collection method: clinical testing. Allele origin: germline.

Baylor Genetics
Classification: Pathogenic for Primary hyperoxaluria, type I. Last evaluated: 2023-06-22. Review status: criteria provided, single submitter. Criteria: ACMG Guidelines, 2015. Collection method: clinical testing. Allele origin: unknown.

Clinical Biochemistry Laboratory, Health Services Laboratory
Classification: Pathogenic for Primary hyperoxaluria, type I. Last evaluated: 2014-11-27. Review status: no assertion criteria provided. Collection method: research. Allele origin: germline. Affected: yes. Not counted in ClinVar's aggregate classification.

Counsyl
Classification: Likely pathogenic for Primary hyperoxaluria, type I. Last evaluated: 2014-10-23. Review status: no assertion criteria provided. Collection method: literature only. Allele origin: unknown. Inheritance: Autosomal recessive inheritance. Not counted in ClinVar's aggregate classification.

Literature cited by the submitters: PubMed 19479957 (cited by Labcorp Genetics (formerly Invitae), Labcorp); PubMed 17495019 (cited by 3 submitters); PubMed 17460142 (cited by Clinical Biochemistry Laboratory, Health Services Laboratory and Counsyl); PubMed 24988064 (cited by Counsyl).